The following is an entry in ClinVar:

ClinVar aggregate classification (germline): Likely benign. Review status: criteria provided, multiple submitters, no conflicts (2 of 4 stars). 3 submissions from 3 submitters: Likely benign (3). Last evaluated 2025-10-23.

Conditions:
CACNA1F-related disorder. Also called: CACNA1F-related condition.

Allele frequency attached by ClinVar (database versions not stated): gnomAD exomes 0.00002 and 0.00009; gnomAD 0.00004; TOPMed 0.00004; ExAC 0.00008; 1000 Genomes Project 0.00079; 1000 Genomes Project 30x 0.00083.
gnomAD v4.1: 25 of 1,207,764 alleles (0.0021%); highest among the groups gnomAD compares: East Asian, 0.045%; no homozygotes.

Submissions (3):

PreventionGenetics, part of Exact Sciences
Classification: Likely benign for CACNA1F-related condition. Last evaluated: 2025-10-23. Review status: criteria provided, single submitter. Criteria: ACMG Guidelines, 2015. Collection method: clinical testing. Allele origin: germline.
Comment: This variant is classified as likely benign based on ACMG/AMP sequence variant interpretation guidelines (Richards et al. 2015 PMID: 25741868, with internal and published modifications).

Blueprint Genetics
Classification: Likely benign. Last evaluated: 2024-10-30. Review status: criteria provided, single submitter. Criteria: ACMG Guidelines, 2015. Collection method: clinical testing. Allele origin: germline.

Labcorp Genetics (formerly Invitae), Labcorp
Classification: Likely benign. Last evaluated: 2018-06-11. Review status: criteria provided, single submitter. Criteria: Invitae Variant Classification Sherloc (09022015). Collection method: clinical testing. Allele origin: germline.

NM_001256789.3(CACNA1F):c.5757C>T (p.Arg1919=)

Gene: CACNA1F (calcium voltage-gated channel subunit alpha1 F; minus strand). Cytogenetic location: Xp11.23.
Variant type: single nucleotide variant.
Coding change: c.5757C>T on transcript NM_001256789.3 (MANE Select); coding-DNA position 5757, C replaced by T.
Protein change: p.Arg1919=; no amino-acid change (arginine 1919 retained).
Molecular consequence: synonymous variant.
Genome position (GRCh38, 1-based): chrX:49,205,281, G>A on the plus strand (C>T on the coding strand, the complement: CACNA1F is on the minus strand). VCF-style: chrX-49205281-G-A. GRCh37 (hg19) VCF-style: chrX-49061741-G-A.
Other names: c.5595C>T, p.Arg1865= (NM_001256790.3); c.5790C>T, p.Arg1930= (NM_005183.4).
Identifiers: ClinVar variation 752302 (VCV000752302.5), dbSNP rs782363797, ClinGen allele CA10409903.
Genomic context (GRCh38, chrX:49,205,281, plus strand): 5'-AGAGCTGGTTCCCTGTGCCAGCAGGTCACTGGCAGCATTGTCCATCTCATCCAGCGTCAG[G>A]CGACACGCATCTGCAATCTCCTGCTTGGCCAGGGCCACGAAACGTGGGTCTCGAGCAAAG-3'
Protein context (NP_001243718.1, residues 1909-1929): LAKQEIADAC[Arg1919=]LTLDEMDNAA